The following is an entry in ClinVar:

NM_002691.4(POLD1):c.2049C>A (p.Arg683=)

Gene: POLD1 (DNA polymerase delta 1, catalytic subunit; plus strand). Cytogenetic location: 19q13.33.
Variant type: single nucleotide variant.
Coding change: c.2049C>A on transcript NM_002691.4 (MANE Select); coding-DNA position 2049, C replaced by A.
Protein change: p.Arg683=; no amino-acid change (arginine 683 retained).
Molecular consequence: synonymous variant. On other transcripts: non-coding transcript variant (1).
Genome position (GRCh38, 1-based): chr19:50,409,561, C>A. VCF-style: chr19-50409561-C-A. GRCh37 (hg19) VCF-style: chr19-50912818-C-A.
Other names: c.2049C>A (NM_002691.2); c.2049C>A, p.Arg683= (NM_001256849.1); c.2127C>A, p.Arg709= (NM_001308632.1).
Identifiers: ClinVar variation 1106579 (VCV001106579.31), dbSNP rs1259600497, ClinGen allele CA508185625.

ClinVar aggregate classification (germline): Likely benign. Review status: criteria provided, multiple submitters, no conflicts (2 of 4 stars). 3 submissions from 3 submitters: Likely benign (3). Last evaluated 2024-05-02.

Conditions:
Hereditary cancer-predisposing syndrome. Also called: Neoplastic Syndromes, Hereditary; Tumor predisposition; Hereditary neoplastic syndrome; Hereditary Cancer Syndrome. Identifiers: Orphanet 140162, MedGen C0027672, MeSH D009386, MONDO:0015356.
POLD1-related polyposis and colorectal cancer syndrome (CRCS10). Also called: Colorectal cancer, susceptibility to, 10; COLORECTAL CANCER, SUSCEPTIBILITY TO, ON CHROMOSOME 19q; Colorectal cancer 10. Identifiers: Orphanet 220460, MedGen C2675481, MONDO:0012953, OMIM 612591.

Allele frequency attached by ClinVar (database versions not stated): gnomAD exomes below 0.00001 and 0.00001.
gnomAD v4.1: 1 of 1,613,530 alleles (0.000062%); highest among the groups gnomAD compares: Non-Finnish European, 0.000085%; no homozygotes.

Submissions (3):

Labcorp Genetics (formerly Invitae), Labcorp
Classification: Likely benign for POLD1-related polyposis and colorectal cancer syndrome. Last evaluated: 2024-05-02. Review status: criteria provided, single submitter. Criteria: Invitae Variant Classification Sherloc (09022015). Collection method: clinical testing. Allele origin: germline.

CeGaT Center for Human Genetics Tuebingen
Classification: Likely benign. Last evaluated: 2024-03-01. Review status: criteria provided, single submitter. Criteria: CeGaT Center For Human Genetics Tuebingen Variant Classification Criteria Version 2. Collection method: clinical testing. Allele origin: germline. Affected: yes. Observed: 1 variant allele.
Comment: POLD1: BP4, BP7

Ambry Genetics
Classification: Likely benign for Hereditary cancer-predisposing syndrome. Last evaluated: 2022-11-03. Review status: criteria provided, single submitter. Criteria: Ambry Variant Classification Scheme 2023. Collection method: clinical testing. Allele origin: germline.